The following is an entry in ClinVar:

NM_003737.4(DCHS1):c.2959G>A (p.Val987Met)

Gene: DCHS1 (dachsous cadherin-related 1; minus strand). Cytogenetic location: 11p15.4.
Variant type: single nucleotide variant.
Coding change: c.2959G>A on transcript NM_003737.4 (MANE Select); coding-DNA position 2959, G replaced by A.
Protein change: p.Val987Met; replaces valine 987 with methionine.
Molecular consequence: missense variant.
Genome position (GRCh38, 1-based): chr11:6,632,553, C>T on the plus strand (G>A on the coding strand, the complement: DCHS1 is on the minus strand). VCF-style: chr11-6632553-C-T. GRCh37 (hg19) VCF-style: chr11-6653784-C-T.
Other names: short protein forms V987M.
Identifiers: ClinVar variation 3701995 (VCV003701995.10).

ClinVar aggregate classification (germline): Uncertain significance. Review status: criteria provided, multiple submitters, no conflicts (2 of 4 stars). 2 submissions from 2 submitters: Uncertain significance (2). Last evaluated 2025-08-01.

gnomAD v4.1: 2 of 1,523,750 alleles (0.00013%); highest among the groups gnomAD compares: Non-Finnish European, 0.000088%; no homozygotes.

Submissions (2):

CeGaT Center for Human Genetics Tuebingen
Classification: Uncertain significance. Last evaluated: 2025-08-01. Review status: criteria provided, single submitter. Criteria: CeGaT Center For Human Genetics Tuebingen Variant Classification Criteria Version 2. Collection method: clinical testing. Allele origin: germline. Affected: yes. Observed: 1 variant allele.
Comment: DCHS1: PM2

Labcorp Genetics (formerly Invitae), Labcorp
Classification: Uncertain significance. Last evaluated: 2024-11-08. Review status: criteria provided, single submitter. Criteria: Invitae Variant Classification Sherloc (09022015). Collection method: clinical testing. Allele origin: germline.
Comment: This sequence change replaces valine, which is neutral and non-polar, with methionine, which is neutral and non-polar, at codon 987 of the DCHS1 protein (p.Val987Met). This variant is not present in population databases (gnomAD no frequency). This variant has not been reported in the literature in individuals affected with DCHS1-related conditions. Invitae Evidence Modeling of protein sequence and biophysical properties (such as structural, functional, and spatial information, amino acid conservation, physicochemical variation, residue mobility, and thermodynamic stability) indicates that this missense variant is not expected to disrupt DCHS1 protein function with a negative predictive value of 80%. In summary, the available evidence is currently insufficient to determine the role of this variant in disease. Therefore, it has been classified as a Variant of Uncertain Significance.